The following is an entry in ClinVar:

NM_004991.4(MECOM):c.2923G>C (p.Glu975Gln)

Gene: MECOM (MDS1 and EVI1 complex locus; minus strand). Cytogenetic location: 3q26.2.
Variant type: single nucleotide variant.
Coding change: c.2923G>C on transcript NM_004991.4 (MANE Select); coding-DNA position 2923, G replaced by C.
Protein change: p.Glu975Gln; replaces glutamic acid 975 with glutamine.
Molecular consequence: missense variant.
Genome position (GRCh38, 1-based): chr3:169,095,172, C>G on the plus strand (G>C on the coding strand, the complement: MECOM is on the minus strand). VCF-style: chr3-169095172-C-G. GRCh37 (hg19) VCF-style: chr3-168812960-C-G.
Other names: c.2554G>C, p.Glu852Gln (NM_001105077.4); c.2359G>C, p.Glu787Gln (NM_001105078.4, NM_001205194.2, NM_001366469.2 and 1 more transcripts); c.2335G>C, p.Glu779Gln (NM_001163999.2, NM_001366470.2); c.2332G>C, p.Glu778Gln (NM_001164000.2, NM_001366471.2, NM_001366472.2); c.2896G>C, p.Glu966Gln (NM_001366466.2); c.2362G>C, p.Glu788Gln (NM_001366467.2, NM_001366468.2); c.1924G>C, p.Glu642Gln (NM_001366473.2); c.1360G>C, p.Glu454Gln (NM_001366474.2); short protein forms E787Q, E852Q, E778Q, E788Q, E975Q, E454Q, E642Q, E779Q.
Identifiers: ClinVar variation 4624588 (VCV004624588.1).

ClinVar aggregate classification (germline): Uncertain significance (1 of 4 stars; one submission).

Conditions:
Inborn genetic diseases. Identifiers: MedGen C0950123, MeSH D030342.

Submission:

Ambry Genetics
Classification: Uncertain significance for Inborn genetic diseases. Last evaluated: 2025-09-19. Review status: criteria provided, single submitter. Criteria: Ambry Variant Classification Scheme 2023. Collection method: clinical testing. Allele origin: germline.
Comment: The p.E975Q variant (also known as c.2923G>C), located in coding exon 13 of the MECOM gene, results from a G to C substitution at nucleotide position 2923. The glutamic acid at codon 975 is replaced by glutamine, an amino acid with highly similar properties. This amino acid position is conserved. In addition, the in silico prediction for this alteration is inconclusive. Based on the available evidence, the clinical significance of this variant remains unclear.